The following is an entry in ClinVar:

ClinVar aggregate classification (germline): Uncertain significance (1 of 4 stars; one submission).

Allele frequency attached by ClinVar (database versions not stated): gnomAD exomes below 0.00001; TOPMed 0.00001.
gnomAD v4.1: 1 of 1,534,104 alleles (0.000065%); highest among the groups gnomAD compares: African/African-American, 0.0014%; no homozygotes.

Submission:

Labcorp Genetics (formerly Invitae), Labcorp
Classification: Uncertain significance. Last evaluated: 2023-05-09. Review status: criteria provided, single submitter. Criteria: Invitae Variant Classification Sherloc (09022015). Collection method: clinical testing. Allele origin: germline.
Comment: In summary, the available evidence is currently insufficient to determine the role of this variant in disease. Therefore, it has been classified as a Variant of Uncertain Significance. Variants that disrupt the consensus splice site are a relatively common cause of aberrant splicing (PMID: 17576681, 9536098). Algorithms developed to predict the effect of sequence changes on RNA splicing suggest that this variant is not likely to affect RNA splicing. This variant has not been reported in the literature in individuals affected with EYS-related conditions. This variant is not present in population databases (gnomAD no frequency). This sequence change falls in intron 17 of the EYS gene. It does not directly change the encoded amino acid sequence of the EYS protein. It affects a nucleotide within the consensus splice site.

Literature cited by the submitters: PubMed 17576681; PubMed 9536098.

NM_001142800.2(EYS):c.2738+3A>G

Gene: EYS (EGF-like photoreceptor maintenance factor; minus strand). Cytogenetic location: 6q12.
Variant type: single nucleotide variant.
Coding change: c.2738+3A>G on transcript NM_001142800.2 (MANE Select); 3 bases into the intron after coding-DNA position 2738, A replaced by G.
Molecular consequence: intron variant.
Genome position (GRCh38, 1-based): chr6:64,902,401, T>C on the plus strand (A>G on the coding strand, the complement: EYS is on the minus strand). VCF-style: chr6-64902401-T-C. GRCh37 (hg19) VCF-style: chr6-65612294-T-C.
Other names: c.2738+3A>G (NM_001292009.2).
Identifiers: ClinVar variation 2718688 (VCV002718688.3), dbSNP rs1395687416, ClinGen allele CA568119232.